The following is an entry in ClinVar:

ClinVar aggregate classification (germline): Uncertain significance (1 of 4 stars; one submission).

Allele frequency attached by ClinVar (database versions not stated): gnomAD 0.00001 and 0.00003; gnomAD exomes 0.00001 and 0.00003; ExAC 0.00002; TOPMed 0.00003.
gnomAD v4.1: 21 of 1,613,150 alleles (0.0013%); highest among the groups gnomAD compares: South Asian, 0.0066%; no homozygotes.

Submission:

Labcorp Genetics (formerly Invitae), Labcorp
Classification: Uncertain significance. Last evaluated: 2021-08-10. Review status: criteria provided, single submitter. Criteria: Invitae Variant Classification Sherloc (09022015). Collection method: clinical testing. Allele origin: germline.
Comment: This sequence change replaces valine with methionine at codon 270 of the ADIPOR1 protein (p.Val270Met). The valine residue is highly conserved and there is a small physicochemical difference between valine and methionine. The frequency data for this variant in the population databases is considered unreliable, as metrics indicate poor data quality at this position in the ExAC database. This variant has not been reported in the literature in individuals affected with ADIPOR1-related conditions. Algorithms developed to predict the effect of missense changes on protein structure and function are either unavailable or do not agree on the potential impact of this missense change (SIFT: "Deleterious"; PolyPhen-2: "Possibly Damaging"; Align-GVGD: "Class C0"). In summary, the available evidence is currently insufficient to determine the role of this variant in disease. Therefore, it has been classified as a Variant of Uncertain Significance.

NM_015999.6(ADIPOR1):c.808G>A (p.Val270Met)

Gene: ADIPOR1 (adiponectin receptor 1; minus strand). Cytogenetic location: 1q32.1.
Variant type: single nucleotide variant.
Coding change: c.808G>A on transcript NM_015999.6 (MANE Select); coding-DNA position 808, G replaced by A.
Protein change: p.Val270Met; replaces valine 270 with methionine.
Molecular consequence: missense variant.
Genome position (GRCh38, 1-based): chr1:202,942,216, C>T on the plus strand (G>A on the coding strand, the complement: ADIPOR1 is on the minus strand). VCF-style: chr1-202942216-C-T. GRCh37 (hg19) VCF-style: chr1-202911344-C-T.
Other names: c.808G>A, p.Val270Met (NM_001290553.2, NM_001290557.1, NM_001290629.1); short protein forms V270M.
Identifiers: ClinVar variation 1503586 (VCV001503586.6), dbSNP rs775693036, ClinGen allele CA1335875.